The following is an entry in ClinVar:

ClinVar aggregate classification (germline): Likely benign. Review status: criteria provided, multiple submitters, no conflicts (2 of 4 stars). 5 submissions from 5 submitters: Likely benign (5). Last evaluated 2026-01-26.

Conditions:
Inborn genetic diseases. Identifiers: MedGen C0950123, MeSH D030342.
Charcot-Marie-Tooth disease axonal type 2S. Also called: CHARCOT-MARIE-TOOTH NEUROPATHY, TYPE 2S; CHARCOT-MARIE-TOOTH DISEASE, AXONAL, AUTOSOMAL RECESSIVE, TYPE 2S. Identifiers: Orphanet 443073, MedGen C4015349, MONDO:0014511, OMIM 616155.
Autosomal recessive distal spinal muscular atrophy 1. Also called: HMN VI; NEURONOPATHY, SEVERE INFANTILE AXONAL, WITH RESPIRATORY FAILURE; SEVERE INFANTILE AXONAL NEUROPATHY WITH RESPIRATORY FAILURE; SPINAL MUSCULAR ATROPHY, DIAPHRAGMATIC; Spinal muscular atrophy with respiratory distress 1; NEURONOPATHY, DISTAL HEREDITARY MOTOR, HARDING TYPE VI. Identifiers: Orphanet 98920, MedGen C1858517, MONDO:0011436, OMIM 604320.
Charcot-Marie-Tooth disease. Also called: Charcot-Marie-Tooth Neuropathy; Charcot-Marie-Tooth Hereditary Neuropathy. Identifiers: Orphanet 166, MedGen C0007959, MONDO:0015626.

Allele frequency attached by ClinVar (database versions not stated): gnomAD exomes 0.00009 and 0.00034; gnomAD 0.00014 and 0.00017; TOPMed 0.00023; ExAC 0.00039; 1000 Genomes Project 30x 0.00047; 1000 Genomes Project 0.00060.
gnomAD v4.1: 158 of 1,603,844 alleles (0.0099%); highest among the groups gnomAD compares: East Asian, 0.31%; no homozygotes.

Submissions (5):

Labcorp Genetics (formerly Invitae), Labcorp
Classification: Likely benign for Autosomal recessive distal spinal muscular atrophy 1; Charcot-Marie-Tooth disease axonal type 2S. Last evaluated: 2026-01-26. Review status: criteria provided, single submitter. Criteria: Invitae Variant Classification Sherloc (09022015). Collection method: clinical testing. Allele origin: germline.

Ambry Genetics
Classification: Likely benign for Inborn genetic diseases. Last evaluated: 2019-11-27. Review status: criteria provided, single submitter. Criteria: Ambry Variant Classification Scheme 2023. Collection method: clinical testing. Allele origin: germline.

GeneDx
Classification: Likely benign. Last evaluated: 2019-03-28. Review status: criteria provided, single submitter. Criteria: GeneDx Variant Classification Process June 2021. Collection method: clinical testing. Allele origin: germline. Affected: yes.
Comment: See Variant Classification Assertion Criteria.

Illumina Laboratory Services, Illumina
Classification: Likely benign for Autosomal recessive distal spinal muscular atrophy 1. Last evaluated: 2018-01-13. Review status: criteria provided, single submitter. Criteria: ICSL Variant Classification Criteria 13 December 2019. Collection method: clinical testing. Allele origin: germline.
Comment: This variant was observed in the ICSL laboratory as part of a predisposition screen in an ostensibly healthy population. It had not been previously curated by ICSL or reported in the Human Gene Mutation Database (HGMD: prior to June 1st, 2018), and was therefore a candidate for classification through an automated scoring system. Utilizing variant allele frequency, disease prevalence and penetrance estimates, and inheritance mode, an automated score was calculated to assess if this variant is too frequent to cause the disease. Based on the score and internal cut-off values, a variant classified as likely benign is not then subjected to further curation. The score for this variant resulted in a classification of likely benign for this disease.

Molecular Genetics Laboratory, London Health Sciences Centre
Classification: Likely benign for Charcot-Marie-Tooth disease. Review status: criteria provided, single submitter. Criteria: ACMG Guidelines, 2015. Collection method: clinical testing. Allele origin: germline. Affected: yes.

NM_002180.3(IGHMBP2):c.2467C>T (p.Arg823Cys)

Gene: IGHMBP2 (immunoglobulin mu DNA binding protein 2; plus strand). Cytogenetic location: 11q13.3.
Variant type: single nucleotide variant.
Coding change: c.2467C>T on transcript NM_002180.3 (MANE Select); coding-DNA position 2467, C replaced by T.
Protein change: p.Arg823Cys; replaces arginine 823 with cysteine.
Molecular consequence: missense variant.
Genome position (GRCh38, 1-based): chr11:68,936,947, C>T. VCF-style: chr11-68936947-C-T. GRCh37 (hg19) VCF-style: chr11-68704415-C-T.
Other names: short protein forms R823C.
Identifiers: ClinVar variation 305855 (VCV000305855.19), dbSNP rs192806153, ClinGen allele CA6153913.